The following is an entry in ClinVar:

ClinVar aggregate classification (germline): Likely benign (0 of 4 stars; one submission).

Conditions:
CACNA1B-related disorder. Also called: CACNA1B-related condition.

Allele frequency attached by ClinVar (database versions not stated): gnomAD exomes 0.00003; gnomAD 0.00006.
gnomAD v4.1: 53 of 1,544,194 alleles (0.0034%); highest among the groups gnomAD compares: Admixed American, 0.0057%; no homozygotes.

Submission:

PreventionGenetics, part of Exact Sciences
Classification: Likely benign for CACNA1B-related condition. Last evaluated: 2023-11-17. Review status: no assertion criteria provided. Collection method: clinical testing. Allele origin: germline.
Comment: This variant is classified as likely benign based on ACMG/AMP sequence variant interpretation guidelines (Richards et al. 2015 PMID: 25741868, with internal and published modifications).

NM_000718.4(CACNA1B):c.6238+4C>T

Gene: CACNA1B (calcium voltage-gated channel subunit alpha1 B; plus strand). Cytogenetic location: 9q34.3.
Variant type: single nucleotide variant.
Coding change: c.6238+4C>T on transcript NM_000718.4 (MANE Select); 4 bases into the intron after coding-DNA position 6238, C replaced by T.
Molecular consequence: intron variant.
Genome position (GRCh38, 1-based): chr9:138,120,376, C>T. VCF-style: chr9-138120376-C-T. GRCh37 (hg19) VCF-style: chr9-141014828-C-T.
Other names: c.6238+4C>T (NM_001243812.2).
Identifiers: ClinVar variation 3030385 (VCV003030385.2), dbSNP rs755903246, ClinGen allele CA201872931.